The following is an entry in ClinVar:

NM_201384.3(PLEC):c.9815G>A (p.Arg3272His)

Gene: PLEC (plectin; minus strand). Cytogenetic location: 8q24.3.
Variant type: single nucleotide variant.
Coding change: c.9815G>A on transcript NM_201384.3 (MANE Select); coding-DNA position 9815, G replaced by A.
Protein change: p.Arg3272His; replaces arginine 3272 with histidine.
Molecular consequence: missense variant.
Genome position (GRCh38, 1-based): chr8:143,920,006, C>T on the plus strand (G>A on the coding strand, the complement: PLEC is on the minus strand). VCF-style: chr8-143920006-C-T. GRCh37 (hg19) VCF-style: chr8-144994174-C-T.
Other names: c.9896G>A, p.Arg3299His (NM_000445.5); c.9773G>A, p.Arg3258His (NM_201378.4); c.9749G>A, p.Arg3250His (NM_201379.3); c.10226G>A, p.Arg3409His (NM_201380.4); c.9719G>A, p.Arg3240His (NM_201381.3); c.9815G>A, p.Arg3272His (NM_201382.4); c.9827G>A, p.Arg3276His (NM_201383.3); short protein forms R3240H, R3250H, R3258H, R3272H, R3276H, R3299H, R3409H.
Identifiers: ClinVar variation 448084 (VCV000448084.16), dbSNP rs571590501, ClinGen allele CA4924848.

ClinVar aggregate classification (germline): Uncertain significance. Review status: criteria provided, multiple submitters, no conflicts (2 of 4 stars). 7 submissions from 7 submitters: Uncertain significance (7). Last evaluated 2026-06-10.

Conditions:
PLEC-related disorder. Also called: PLEC-related disorders; PLEC-related condition.
Autosomal recessive limb-girdle muscular dystrophy type 2Q (LGMDR17). Also called: MUSCULAR DYSTROPHY, LIMB-GIRDLE, AUTOSOMAL RECESSIVE 17. Identifiers: Orphanet 254361, MedGen C3150989, MONDO:0013390, OMIM 613723.
Epidermolysis bullosa simplex with nail dystrophy (EBS5D). Identifiers: MedGen C4225309, MONDO:0014661, OMIM 616487.
Epidermolysis bullosa simplex 5C, with pyloric atresia (EBS5C). Also called: PLEC-Related Epidermolysis Bullosa with Pyloric Atresia; Epidermolysis bullosa simplex with pyloric atresia; PLEC1-Related Epidermolysis Bullosa with Pyloric Atresia. Identifiers: Orphanet 158684, MedGen C2677349, MONDO:0012807, OMIM 612138.
Epidermolysis bullosa simplex, Ogna type (EBS5A). Also called: Pidermolysis bullosa simplex 5A, Ogna type; EPIDERMOLYSIS BULLOSA SIMPLEX 5A, OGNA TYPE. Identifiers: Orphanet 79401, MedGen C0432317, MONDO:0007555, OMIM 131950.
Epidermolysis bullosa simplex 5B, with muscular dystrophy (EBS5B). Also called: EPIDERMOLYSIS BULLOSA SIMPLEX AND LIMB-GIRDLE MUSCULAR DYSTROPHY; Epidermolysis bullosa simplex with muscular dystrophy. Identifiers: Orphanet 257, MedGen C2931072, MONDO:0009181, OMIM 226670.
Inborn genetic diseases. Identifiers: MedGen C0950123, MeSH D030342.

Allele frequency attached by ClinVar (database versions not stated): ExAC 0.00010; gnomAD 0.00010 and 0.00006; gnomAD exomes 0.00010 and 0.00013; 1000 Genomes Project 30x 0.00031; 1000 Genomes Project 0.00040; TOPMed 0.00008.
gnomAD v4.1: 174 of 1,613,252 alleles (0.011%); highest among the groups gnomAD compares: South Asian, 0.11%; no homozygotes.

Submissions (7):

PreventionGenetics, part of Exact Sciences
Classification: Uncertain significance for PLEC-related condition. Last evaluated: 2026-06-10. Review status: criteria provided, single submitter. Criteria: ACMG Guidelines, 2015. Collection method: clinical testing. Allele origin: germline.
Comment: The PLEC c.9896G>A variant is predicted to result in the amino acid substitution p.Arg3299His. To our knowledge, this variant has not been reported in the literature. This variant is reported in 0.082% of alleles in individuals of South Asian descent in gnomAD, which is likely too common for an undocumented disease-causing variant. Although we suspect that this variant may be benign, at this time, the clinical significance of this variant is uncertain due to the absence of conclusive functional and genetic evidence.

Labcorp Genetics (formerly Invitae), Labcorp
Classification: Uncertain significance for Autosomal recessive limb-girdle muscular dystrophy type 2Q; Epidermolysis bullosa simplex, Ogna type; Epidermolysis bullosa simplex with nail dystrophy; Epidermolysis bullosa simplex 5C, with pyloric atresia; Epidermolysis bullosa simplex 5B, with muscular dystrophy. Last evaluated: 2026-01-14. Review status: criteria provided, single submitter. Criteria: Invitae Variant Classification Sherloc (09022015). Collection method: clinical testing. Allele origin: germline.
Comment: This sequence change replaces arginine, which is basic and polar, with histidine, which is basic and polar, at codon 3299 of the PLEC protein (p.Arg3299His). This variant is present in population databases (rs571590501, gnomAD 0.08%). This variant has not been reported in the literature in individuals affected with PLEC-related conditions. ClinVar contains an entry for this variant (Variation ID: 448084). An algorithm developed to predict the effect of missense changes on protein structure and function (PolyPhen-2) suggests that this variant is likely to be disruptive. In summary, the available evidence is currently insufficient to determine the role of this variant in disease. Therefore, it has been classified as a Variant of Uncertain Significance.

Ambry Genetics
Classification: Uncertain significance for Inborn genetic diseases. Last evaluated: 2025-05-18. Review status: criteria provided, single submitter. Criteria: Ambry Variant Classification Scheme 2023. Collection method: clinical testing. Allele origin: germline.

GeneDx
Classification: Uncertain significance. Last evaluated: 2025-03-26. Review status: criteria provided, single submitter. Criteria: GeneDx Variant Classification Process June 2021. Collection method: clinical testing. Allele origin: germline. Affected: yes.
Comment: In silico analysis supports that this missense variant has a deleterious effect on protein structure/function; Missense variant in a gene in which most reported pathogenic variants are truncating/loss of function; Has not been previously published as pathogenic or benign to our knowledge

Revvity Omics, Revvity
Classification: Uncertain significance. Last evaluated: 2023-11-30. Review status: criteria provided, single submitter. Criteria: ACMG Guidelines, 2015. Collection method: clinical testing. Allele origin: germline.

Eurofins Ntd Llc (ga)
Classification: Uncertain significance. Last evaluated: 2018-07-19. Review status: criteria provided, single submitter. Criteria: EGL ClinVar v180209 classification definitions. Collection method: clinical testing. Allele origin: germline. Observed: 1 variant allele, 1 heterozygote.

Athena Diagnostics
Classification: Uncertain significance. Last evaluated: 2017-06-26. Review status: criteria provided, single submitter. Criteria: Athena Diagnostics Criteria. Collection method: clinical testing. Allele origin: germline.